The following is an entry in ClinVar:

ClinVar aggregate classification (germline): Conflicting classifications of pathogenicity. Review status: criteria provided, conflicting classifications (1 of 4 stars). 3 submissions from 3 submitters: Uncertain significance (1); Likely benign (2). Last evaluated 2026-09-22.

Conditions:
SETX-related disorder. Also called: SETX-related disorders; SETX-related condition. Identifiers: MedGen CN239403.
Inborn genetic diseases. Identifiers: MedGen C0950123, MeSH D030342.
Amyotrophic lateral sclerosis type 4 (ALS4). Also called: AMYOTROPHIC LATERAL SCLEROSIS 4, JUVENILE; NEURONOPATHY, DISTAL HEREDITARY MOTOR, WITH PYRAMIDAL FEATURES. Identifiers: Orphanet 357043, MedGen C1865409, MONDO:0011223, OMIM 602433.
Spinocerebellar ataxia, autosomal recessive, with axonal neuropathy 2 (SCAN2). Also called: Ataxia with Oculomotor Apraxia; Ataxia with Oculomotor Apraxia Type 2; ATAXIA-OCULOMOTOR APRAXIA 2; Ataxia-ocular apraxia-2. Identifiers: Orphanet 64753, MedGen C1853761, MONDO:0018996, OMIM 606002.

Allele frequency attached by ClinVar (database versions not stated): gnomAD exomes 0.00002.

Submissions (4):

PreventionGenetics, part of Exact Sciences
Classification: Likely benign for SETX-related condition. Last evaluated: 2026-09-22. Review status: criteria provided, single submitter. Criteria: ACMG Guidelines, 2015. Collection method: clinical testing. Allele origin: germline.
Comment: This variant is classified as likely benign based on ACMG/AMP sequence variant interpretation guidelines (Richards et al. 2015 PMID: 25741868, with internal and published modifications).

Labcorp Genetics (formerly Invitae), Labcorp
Classification: Likely benign for Amyotrophic lateral sclerosis type 4; Spinocerebellar ataxia, autosomal recessive, with axonal neuropathy 2. Last evaluated: 2025-08-04. Review status: criteria provided, single submitter. Criteria: Invitae Variant Classification Sherloc (09022015). Collection method: clinical testing. Allele origin: germline.

Ambry Genetics
Classification: Uncertain significance for Inborn genetic diseases. Last evaluated: 2019-11-08. Review status: criteria provided, single submitter. Criteria: Ambry Variant Classification Scheme 2023. Collection method: clinical testing. Allele origin: germline.
Comment: The c.6843-4A>T intronic variant results from an A to T substitution 4 nucleotides upstream from coding exon 20 in the SETX gene. This nucleotide position is not well conserved in available vertebrate species. Using the BDGP and ESEfinder splice site prediction tools, this alteration is not predicted to have any significant effect on this splice acceptor site; however, direct evidence is unavailable. Since supporting evidence is limited at this time, the clinical significance of this alteration remains unclear.

Dr. Peter K. Rogan Lab, Western University
No classification provided (evidence only). Condition: Sarcoma. Review status: no classification provided. Collection method: in vitro. Allele origin: not applicable. Functional consequence: retained intron. Not counted in ClinVar's aggregate classification.

NM_015046.7(SETX):c.6843-4A>T

Gene: SETX (senataxin; minus strand). Cytogenetic location: 9q34.13.
Variant type: single nucleotide variant.
Coding change: c.6843-4A>T on transcript NM_015046.7 (MANE Select); 4 bases into the intron before coding-DNA position 6843, A replaced by T.
Molecular consequence: intron variant.
Genome position (GRCh38, 1-based): chr9:132,277,156, T>A on the plus strand (A>T on the coding strand, the complement: SETX is on the minus strand). VCF-style: chr9-132277156-T-A. GRCh37 (hg19) VCF-style: chr9-135152543-T-A.
Other names: c.6843-4A>T (NM_001351528.2, NM_001351527.2).
Identifiers: ClinVar variation 1092687 (VCV001092687.13), dbSNP rs1466427179, ClinGen allele CA860623278.